The following is an entry in ClinVar:

ClinVar aggregate classification (germline): Uncertain significance (1 of 4 stars; one submission).

Conditions:
Inborn genetic diseases. Identifiers: MedGen C0950123, MeSH D030342.

Submission:

Ambry Genetics
Classification: Uncertain significance for Inborn genetic diseases. Last evaluated: 2025-07-07. Review status: criteria provided, single submitter. Criteria: Ambry Variant Classification Scheme 2023. Collection method: clinical testing. Allele origin: germline.
Comment: The p.F706I variant (also known as c.2116T>A), located in coding exon 17 of the DPYD gene, results from a T to A substitution at nucleotide position 2116. The phenylalanine at codon 706 is replaced by isoleucine, an amino acid with highly similar properties. This amino acid position is conserved. In addition, this alteration is predicted to be deleterious by in silico analysis. Based on the available evidence, the clinical significance of this variant remains unclear.

NM_000110.4(DPYD):c.2116T>A (p.Phe706Ile)

Genes: DPYD (dihydropyrimidine dehydrogenase; minus strand), DPYD-AS1 (DPYD antisense RNA 1; plus strand). Cytogenetic location: 1p21.3.
Variant type: single nucleotide variant.
Coding change: c.2116T>A on transcript NM_000110.4 (MANE Select); coding-DNA position 2116, T replaced by A.
Protein change: p.Phe706Ile; replaces phenylalanine 706 with isoleucine.
Molecular consequence: missense variant. On other transcripts: non-coding transcript variant (1).
Genome position (GRCh38, 1-based): chr1:97,306,240, A>T on the plus strand (T>A on the coding strand, the complement: DPYD is on the minus strand). VCF-style: chr1-97306240-A-T. GRCh37 (hg19) VCF-style: chr1-97771796-A-T.
Other names: short protein forms F706I.
Identifiers: ClinVar variation 4244653 (VCV004244653.1).